The following is an entry in ClinVar:

ClinVar aggregate classification (germline): Conflicting classifications of pathogenicity. Review status: criteria provided, conflicting classifications (1 of 4 stars). 9 submissions from 9 submitters: Uncertain significance (1); Likely benign (4). 4 of the submissions do not count toward it. Last evaluated 2026-02-01.

Conditions:
PIEZO1-related disorder. Also called: PIEZO1-related condition; PIEZO1-Related Disorders.

Allele frequency attached by ClinVar (database versions not stated): 1000 Genomes Project 0.00040; 1000 Genomes Project 30x 0.00047; gnomAD 0.00151 and 0.00156; TOPMed 0.00166; ESP Exome Variant Server 0.00175; ExAC 0.00190.
gnomAD v4.1: 3,567 of 1,542,852 alleles (0.23%); highest among the groups gnomAD compares: Admixed American, 0.28%; 10 homozygotes.

Submissions (9):

CeGaT Center for Human Genetics Tuebingen
Classification: Likely benign. Last evaluated: 2026-02-01. Review status: criteria provided, single submitter. Criteria: CeGaT Center For Human Genetics Tuebingen Variant Classification Criteria Version 2. Collection method: clinical testing. Allele origin: germline. Affected: yes. Observed: 5 variant alleles.
Comment: PIEZO1: BP4, BS1

Labcorp Genetics (formerly Invitae), Labcorp
Classification: Likely benign. Last evaluated: 2026-01-18. Review status: criteria provided, single submitter. Criteria: Invitae Variant Classification Sherloc (09022015). Collection method: clinical testing. Allele origin: germline.

ARUP Laboratories, Molecular Genetics and Genomics, ARUP Laboratories
Classification: Likely benign. Last evaluated: 2025-03-04. Review status: criteria provided, single submitter. Criteria: ARUP Molecular Germline Variant Investigation Process 2024. Collection method: clinical testing. Allele origin: germline.

Mayo Clinic Laboratories, Mayo Clinic
Classification: Uncertain significance. Last evaluated: 2025-02-10. Review status: criteria provided, single submitter. Criteria: ACMG Guidelines, 2015. Collection method: clinical testing. Allele origin: germline. Observed: 6 variant alleles.
Comment: BS2, BP4

Blueprint Genetics
Classification: Likely benign. Last evaluated: 2024-10-25. Review status: criteria provided, single submitter. Criteria: ACMG Guidelines, 2015. Collection method: clinical testing. Allele origin: germline.

PreventionGenetics, part of Exact Sciences
Classification: Likely benign for PIEZO1-related condition. Last evaluated: 2021-08-23. Review status: no assertion criteria provided. Collection method: clinical testing. Allele origin: germline. Not counted in ClinVar's aggregate classification.
Comment: This variant is classified as likely benign based on ACMG/AMP sequence variant interpretation guidelines (Richards et al. 2015 PMID: 25741868, with internal and published modifications).

Clinical Genetics DNA and cytogenetics Diagnostics Lab, Erasmus MC, Erasmus Medical Center
Classification: Likely benign. Review status: no assertion criteria provided. Collection method: clinical testing. Allele origin: germline. Affected: yes. Study: VKGL Data-share Consensus. Not counted in ClinVar's aggregate classification.

Genome Diagnostics Laboratory, University Medical Center Utrecht
Classification: Likely benign. Review status: no assertion criteria provided. Collection method: clinical testing. Allele origin: germline. Affected: yes. Study: VKGL Data-share Consensus. Not counted in ClinVar's aggregate classification.

Laboratory of Diagnostic Genome Analysis, Leiden University Medical Center (LUMC)
Classification: Likely benign. Review status: no assertion criteria provided. Collection method: clinical testing. Allele origin: germline. Affected: yes. Study: VKGL Data-share Consensus. Not counted in ClinVar's aggregate classification.

Literature cited by the submitters: PubMed 30237269 (cited by Mayo Clinic Laboratories, Mayo Clinic); PubMed 30655378 (cited by Mayo Clinic Laboratories, Mayo Clinic); PubMed 33686258 (cited by Mayo Clinic Laboratories, Mayo Clinic); PubMed 37902181 (cited by Mayo Clinic Laboratories, Mayo Clinic).

NM_001142864.4(PIEZO1):c.5728G>A (p.Glu1910Lys)

Gene: PIEZO1 (piezo type mechanosensitive ion channel component 1 (Er blood group); minus strand). Cytogenetic location: 16q24.3.
Variant type: single nucleotide variant.
Coding change: c.5728G>A on transcript NM_001142864.4 (MANE Select); coding-DNA position 5728, G replaced by A.
Protein change: p.Glu1910Lys; replaces glutamic acid 1910 with lysine.
Molecular consequence: missense variant.
Genome position (GRCh38, 1-based): chr16:88,720,689, C>T on the plus strand (G>A on the coding strand, the complement: PIEZO1 is on the minus strand). VCF-style: chr16-88720689-C-T. GRCh37 (hg19) VCF-style: chr16-88787097-C-T.
Other names: p.Glu1910Lys; c.5728G>A (NM_001142864.2); short protein forms E1910K.
Identifiers: ClinVar variation 773308 (VCV000773308.46), dbSNP rs200929552, ClinGen allele CA8231802.
Genomic context (GRCh38, chr16:88,720,689, plus strand): 5'-AGCCCTGCAGCCGCCGCCCGGCCGCCCTTACTCTTCCTCCAGAGCGGCTTGGCCTCTTCT[C>T]TCTCCCCGTGGGGGCCTCTTTCTCTTCCTCCCCCTCTTCTTCCTCCCTGTCCTCAGCTTC-3'
Protein context (NP_001136336.2, residues 1900-1920): EEEKEAPTGR[Glu1910Lys]KRPSRSGGRV